The following is an entry in ClinVar:

ClinVar aggregate classification (germline): Uncertain significance (1 of 4 stars; one submission).

Conditions:
Hypercholesterolemia, autosomal dominant, type B (FHCL2). Also called: Hyperlipoproteinemia Type IIb; Familial Hypercholesterolemia Type B; APOLIPOPROTEIN B-100, FAMILIAL DEFECTIVE; APOLIPOPROTEIN B-100, FAMILIAL LIGAND-DEFECTIVE; Familial hypercholesterolemia 2; APOB-Related Familial Hypercholesterolemia, Autosomal Dominant. Identifiers: MedGen C1704417, MONDO:0007751, OMIM 144010.
Familial hypobetalipoproteinemia 1. Also called: Hypobetalipoproteinemia, normotriglyceridemic; Acanthocytosis with hypobetalipoproteinemia; APOB-Related Familial Hypobetalipoproteinemia. Identifiers: MedGen C4551990, MONDO:0014252, OMIM 615558.

Submission:

Labcorp Genetics (formerly Invitae), Labcorp
Classification: Uncertain significance for Familial hypobetalipoproteinemia 1; Hypercholesterolemia, autosomal dominant, type B. Last evaluated: 2018-03-14. Review status: criteria provided, single submitter. Criteria: Invitae Variant Classification Sherloc (09022015). Collection method: clinical testing. Allele origin: germline.
Comment: Algorithms developed to predict the effect of missense changes on protein structure and function output the following: SIFT: "Tolerated"; PolyPhen-2: "Probably Damaging"; Align-GVGD: "Class C0". The aspartic acid amino acid residue is found in multiple mammalian species, suggesting that this missense change does not adversely affect protein function. These predictions have not been confirmed by published functional studies and their clinical significance is uncertain. This sequence change replaces glutamic acid with aspartic acid at codon 3382 of the APOB protein (p.Glu3382Asp). The glutamic acid residue is moderately conserved and there is a small physicochemical difference between glutamic acid and aspartic acid. This variant is not present in population databases (ExAC no frequency). This variant has not been reported in the literature in individuals with APOB-related disease. In summary, the available evidence is currently insufficient to determine the role of this variant in disease. Therefore, it has been classified as a Variant of Uncertain Significance.

NM_000384.3(APOB):c.10146G>C (p.Glu3382Asp)

Gene: APOB (apolipoprotein B; minus strand). Cytogenetic location: 2p24.1.
Variant type: single nucleotide variant.
Coding change: c.10146G>C on transcript NM_000384.3 (MANE Select); coding-DNA position 10146, G replaced by C.
Protein change: p.Glu3382Asp; replaces glutamic acid 3382 with aspartic acid.
Molecular consequence: missense variant.
Genome position (GRCh38, 1-based): chr2:21,006,722, C>G on the plus strand (G>C on the coding strand, the complement: APOB is on the minus strand). VCF-style: chr2-21006722-C-G. GRCh37 (hg19) VCF-style: chr2-21229594-C-G.
Other names: short protein forms E3382D.
Identifiers: ClinVar variation 579092 (VCV000579092.11), dbSNP rs1558561585, ClinGen allele CA345987338.